The following is an entry in ClinVar:

NM_000458.3:c.545_1045del

Gene: HNF1B (HNF1 homeobox B; minus strand). Cytogenetic location: 17q12.
Variant type: Deletion.
Identifiers: ClinVar variation 635749 (VCV000635749.1).

ClinVar aggregate classification (germline): Pathogenic (1 of 4 stars; one submission).

Conditions:
Renal cysts and diabetes syndrome (RCAD). Also called: Familial hypoplastic, glomerulocystic kidney; MATURITY-ONSET DIABETES OF THE YOUNG, TYPE 5. Identifiers: Orphanet 93111, MedGen C0431693, MONDO:0007669, OMIM 137920.

Submission:

Institute of Human Genetics, FAU Erlangen, Friedrich-Alexander-Universität Erlangen-Nürnberg
Classification: Pathogenic for Renal cysts and diabetes syndrome. Last evaluated: 2019-07-06. Review status: criteria provided, single submitter. Criteria: ACMG Guidelines, 2015. Collection method: literature only. Allele origin: germline. Affected: yes.
Comment: This variant and it's classification has been reported by Vasileiou et al. 2019; DOI:10.1101/576918. The variants has previously been reported in PMID:30259503; PMID:29927023; PMID:25536396 as "c.545-?_1045+?del p.Gln182_Ser384del Exon deletion 3,4; Exons 3-4 deletion; c.545-?_1045+?del Exons3-4" with clinical significance Pathogenic. It has been re-classified using InterVar and manual curation as Pathogenic based on PS4 PM1 PM2 PM4.

Literature cited by the submitters: PubMed 30259503; PubMed 29927023; PubMed 25536396; DOI 10.1101/576918.